The following is an entry in ClinVar:

ClinVar aggregate classification (germline): Uncertain significance (1 of 4 stars; one submission).

Conditions:
Hypertrophic cardiomyopathy. Also called: HYPERTROPHIC MYOCARDIOPATHY. Identifiers: Orphanet 217569, MedGen C0007194, MeSH D002312, MONDO:0005045, HP:0001639.

Submission:

Labcorp Genetics (formerly Invitae), Labcorp
Classification: Uncertain significance for Hypertrophic cardiomyopathy. Last evaluated: 2020-02-19. Review status: criteria provided, single submitter. Criteria: Invitae Variant Classification Sherloc (09022015). Collection method: clinical testing. Allele origin: germline.
Comment: This variant is found within a region of MYH7 between codons 181 and 937 that contains the majority of the myosin head domain. Missense variants in this region have been shown to be significantly overrepresented in individuals with hypertrophic cardiomyopathy (PMID: 27532257). In summary, the available evidence is currently insufficient to determine the role of this variant in disease. Therefore, it has been classified as a Variant of Uncertain Significance. This variant disrupts the p.Gln222 amino acid residue in MYH7. Other variant(s) that disrupt this residue have been observed in individuals with MYH7-related conditions (PMID: 28640247), which suggests that this may be a clinically significant amino acid residue. Algorithms developed to predict the effect of missense changes on protein structure and function are either unavailable or do not agree on the potential impact of this missense change (SIFT: "Deleterious"; PolyPhen-2: "Probably Damaging"; Align-GVGD: "Class C0"). This variant has been observed in individual(s) with dilated cardiomyopathy (Invitae). This variant is not present in population databases (ExAC no frequency). This sequence change replaces glutamine with histidine at codon 222 of the MYH7 protein (p.Gln222His). The glutamine residue is highly conserved and there is a small physicochemical difference between glutamine and histidine.

Literature cited by the submitters: PubMed 27532257; PubMed 28640247.

NM_000257.4(MYH7):c.666G>C (p.Gln222His)

Gene: MYH7 (myosin heavy chain 7; minus strand). Cytogenetic location: 14q11.2.
Variant type: single nucleotide variant.
Coding change: c.666G>C on transcript NM_000257.4 (MANE Select); coding-DNA position 666, G replaced by C.
Protein change: p.Gln222His; replaces glutamine 222 with histidine.
Molecular consequence: missense variant.
Genome position (GRCh38, 1-based): chr14:23,431,651, C>G on the plus strand (G>C on the coding strand, the complement: MYH7 is on the minus strand). VCF-style: chr14-23431651-C-G. GRCh37 (hg19) VCF-style: chr14-23900860-C-G.
Other names: short protein forms Q222H.
Identifiers: ClinVar variation 1041888 (VCV001041888.9), dbSNP rs1489868206, ClinGen allele CA389052298.